The following is an entry in ClinVar:

NM_022841.7(RFX7):c.1804T>C (p.Cys602Arg)

Gene: RFX7 (regulatory factor X7; minus strand). Cytogenetic location: 15q21.3.
Variant type: single nucleotide variant.
Coding change: c.1804T>C on transcript NM_022841.7 (MANE Select); coding-DNA position 1804, T replaced by C.
Protein change: p.Cys602Arg; replaces cysteine 602 with arginine.
Molecular consequence: missense variant.
Genome position (GRCh38, 1-based): chr15:56,095,924, A>G on the plus strand (T>C on the coding strand, the complement: RFX7 is on the minus strand). VCF-style: chr15-56095924-A-G. GRCh37 (hg19) VCF-style: chr15-56388122-A-G.
Other names: c.1513T>C, p.Cys505Arg (NM_001368073.2, NM_001368074.1, NM_001370554.1); c.1804T>C, p.Cys602Arg (NM_001370561.1); short protein forms C505R, C602R.
Identifiers: ClinVar variation 4755610 (VCV004755610.1).
Genomic context (GRCh38, chr15:56,095,924, plus strand): 5'-TAGTGCTTTGATTATTGCCTGTTGACGTGCCTGGCAGCATTTCATTACAGCGACTTTTAC[A>G]TTTGGTCCTCTGGTCACAGACCTTAGTTGCTTTTATTTCAATGACACCTTCATTTGAAGG-3'
Protein context (NP_073752.6, residues 592-612): ATKVCDQRTK[Cys602Arg]KSRCNEMLPG

ClinVar aggregate classification (germline): Uncertain significance (1 of 4 stars; one submission).

gnomAD v4.1: 5 of 1,606,034 alleles (0.00031%); highest among the groups gnomAD compares: Non-Finnish European, 0.00042%; no homozygotes.

Submission:

GeneDx
Classification: Uncertain significance. Last evaluated: 2025-08-08. Review status: criteria provided, single submitter. Criteria: GeneDx Variant Classification Process June 2021. Collection method: clinical testing. Allele origin: germline. Affected: yes.
Comment: Not observed at significant frequency in large population cohorts (gnomAD); In silico analysis suggests that this missense variant does not alter protein structure/function; Has not been previously published as pathogenic or benign to our knowledge